The following is an entry in ClinVar:

ClinVar aggregate classification (germline): Uncertain significance (1 of 4 stars; one submission).

Submission:

Ambry Genetics
Classification: Uncertain significance. Last evaluated: 2024-06-08. Review status: criteria provided, single submitter. Criteria: Ambry Variant Classification Scheme 2023. Collection method: clinical testing. Allele origin: germline.
Comment: The p.A68S variant (also known as c.202G>T), located in coding exon 3 of the KIF1B gene, results from a G to T substitution at nucleotide position 202. The alanine at codon 68 is replaced by serine, an amino acid with similar properties. This amino acid position is conserved. In addition, the in silico prediction for this alteration is inconclusive. Based on the available evidence, the clinical significance of this variant remains unclear.

NM_001365951.3(KIF1B):c.202G>T (p.Ala68Ser)

Gene: KIF1B (kinesin family member 1B; plus strand). Cytogenetic location: 1p36.22.
Variant type: single nucleotide variant.
Coding change: c.202G>T on transcript NM_001365951.3 (MANE Select); coding-DNA position 202, G replaced by T.
Protein change: p.Ala68Ser; replaces alanine 68 with serine.
Molecular consequence: missense variant.
Genome position (GRCh38, 1-based): chr1:10,258,511, G>T. VCF-style: chr1-10258511-G-T. GRCh37 (hg19) VCF-style: chr1-10318569-G-T.
Other names: c.202G>T, p.Ala68Ser (NM_001365952.1, NM_001365953.1, NM_015074.3 and 1 more transcripts); short protein forms A68S.
Identifiers: ClinVar variation 3288479 (VCV003288479.1).